The following is an entry in ClinVar:

NM_001378024.1(ARHGAP32):c.2953G>T (p.Glu985Ter)

Gene: ARHGAP32 (Rho GTPase activating protein 32; minus strand). Cytogenetic location: 11q24.3.
Variant type: single nucleotide variant.
Coding change: c.2953G>T on transcript NM_001378024.1 (MANE Select); coding-DNA position 2953, G replaced by T.
Protein change: p.Glu985Ter; replaces glutamic acid 985 with a stop codon.
Molecular consequence: nonsense.
Genome position (GRCh38, 1-based): chr11:128,974,244, C>A on the plus strand (G>T on the coding strand, the complement: ARHGAP32 is on the minus strand). VCF-style: chr11-128974244-C-A. GRCh37 (hg19) VCF-style: chr11-128844139-C-A.
Other names: c.2911G>T, p.Glu971Ter (NM_001142685.2); c.2791G>T, p.Glu931Ter (NM_001378025.1); c.1864G>T, p.Glu622Ter (NM_014715.4); short protein forms E622*, E931*, E971*, E985*.
Identifiers: ClinVar variation 3765764 (VCV003765764.1).
Genomic context (GRCh38, chr11:128,974,244, plus strand): 5'-CTTTCCCTGGCAATTCTACTTCTTCAGCAGCCACCTGGTCCAGGGGCTGGACTTCAGATT[C>A]ATATGCTTCTTGGGCAACTGTCTCATTTGTTTTCATCTTTACTATCTGGGTGGGGGATCT-3'

ClinVar aggregate classification (germline): Uncertain significance (1 of 4 stars; one submission).

Submission:

Greenwood Genetic Center Diagnostic Laboratories, Greenwood Genetic Center
Classification: Uncertain significance. Last evaluated: 2024-11-13. Review status: criteria provided, single submitter. Criteria: ACMG Guidelines, 2015. Collection method: clinical testing. Allele origin: germline. Affected: yes.
Comment: Gene of Uncertain Significance